The following is an entry in ClinVar:

ClinVar aggregate classification (germline): Uncertain significance (1 of 4 stars; one submission).

Conditions:
Aicardi-Goutieres syndrome 1. Also called: CREE ENCEPHALITIS; ENCEPHALOPATHY, FAMILIAL INFANTILE, WITH INTRACRANIAL CALCIFICATION AND CHRONIC CEREBROSPINAL FLUID LYMPHOCYTOSIS; PSEUDOTOXOPLASMOSIS SYNDROME. Identifiers: Orphanet 51, MedGen C0796126, MONDO:0009165, OMIM 225750.

Submission:

Victorian Clinical Genetics Services, Murdoch Childrens Research Institute
Classification: Uncertain significance for Aicardi-Goutieres syndrome 1. Last evaluated: 2020-05-25. Review status: criteria provided, single submitter. Criteria: ACMG Guidelines, 2015. Collection method: clinical testing. Allele origin: germline. Affected: yes.
Comment: Based on the classification scheme VCGS_Germline_v1.1.1, this variant is classified as VUS – 3A. Following criteria are met: 0102 - Loss-of-function is a known mechanism of disease for this gene, causing recessive disease (OMIM, PMID: 21937424). (N) 0104 - Dominant Negative is a mechanism of disease for this gene, where heterodimers with wildtype protein result in impaired function (OMIM). (N) 0108 - This gene is known to be associated with both recessive and dominant disease, where two missense (p.Asp200Asn, p.Asp18Asn) have been reported for dominant disease (OMIM). (N) 0200 - Variant is predicted to result in a missense amino acid change from proline to leucine (exon 2). (N) 0251 - Variant is heterozygous. (N) 0301 - Variant is absent from gnomAD. (P) 0502 - Missense variant with conflicting in silico predictions and uninformative conservation. (N) 0604 - Variant is not located in an established domain, motif, hotspot or informative constraint region. (N) 0705 - No comparable variants have previous evidence for pathogenicity. (N) 0807 - Variant has not previously been reported in a clinical context. (N) 0905 - No segregation evidence has been identified for this variant. (N) 1007 - No published functional evidence has been identified for this variant. (N) 1208 - Inheritance information for this variant is not currently available. (N) Legend: (P) - Pathogenic, (N) - Neutral, (B) - Benign

Literature cited by the submitters: PubMed 21937424.

NM_033629.6(TREX1):c.635C>T (p.Pro212Leu)

Genes: ATRIP (ATR interacting protein; plus strand), ATRIP-TREX1 (ATRIP-TREX1 readthrough; plus strand), TREX1 (three prime repair exonuclease 1; plus strand). Cytogenetic location: 3p21.31.
Variant type: single nucleotide variant.
Coding change: c.635C>T on transcript NM_033629.6 (MANE Select); coding-DNA position 635, C replaced by T.
Protein change: p.Pro212Leu; replaces proline 212 with leucine.
Molecular consequence: missense variant. On other transcripts: non-coding transcript variant (1), 3 prime UTR variant (4).
Genome position (GRCh38, 1-based): chr3:48,467,290, C>T. VCF-style: chr3-48467290-C-T. GRCh37 (hg19) VCF-style: chr3-48508689-C-T.
Other names: c.605C>T, p.Pro202Leu (NM_007248.5); c.*1736C>T (NM_001271022.2, NM_001271023.2, NM_032166.4 and 1 more transcripts); short protein forms P202L, P212L.
Identifiers: ClinVar variation 3377402 (VCV003377402.1).